The following is an entry in ClinVar:

NM_032638.5(GATA2):c.1391G>T (p.Ser464Ile)

Gene: GATA2 (GATA binding protein 2; minus strand). Cytogenetic location: 3q21.3.
Variant type: single nucleotide variant.
Coding change: c.1391G>T on transcript NM_032638.5 (MANE Select); coding-DNA position 1391, G replaced by T.
Protein change: p.Ser464Ile; replaces serine 464 with isoleucine.
Molecular consequence: missense variant.
Genome position (GRCh38, 1-based): chr3:128,481,071, C>A on the plus strand (G>T on the coding strand, the complement: GATA2 is on the minus strand). VCF-style: chr3-128481071-C-A. GRCh37 (hg19) VCF-style: chr3-128199914-C-A.
Other names: c.1391G>T (NM_001145661.1); c.1391G>T, p.Ser464Ile (NM_001145661.2); c.1349G>T, p.Ser450Ile (NM_001145662.1); short protein forms S464I, S450I.
Identifiers: ClinVar variation 404069 (VCV000404069.23), dbSNP rs770949428, ClinGen allele CA2599779.
Genomic context (GRCh38, chr3:128,481,071, plus strand): 5'-TCTGTTCCCTAGCCCATGGCGGTCACCATGCTGGACGGGTGGGGGTGGCCGAAGGAGAGG[C>A]TGGAGGAGGGGTGGATGGGCGTCGGAGTGGGCAGGATGTGTCCGGAGTGGCTGAAGGGCG-3'
Protein context (NP_116027.2, residues 454-474): PTPTPIHPSS[Ser464Ile]LSFGHPHPSS

ClinVar aggregate classification (germline): Uncertain significance. Review status: criteria provided, multiple submitters, no conflicts (2 of 4 stars). 8 submissions from 8 submitters: Uncertain significance (8). Last evaluated 2026-01-06.

Conditions:
Inborn genetic diseases. Identifiers: MedGen C0950123, MeSH D030342.
Acute myeloid leukemia (AML). Also called: Leukemia, acute myeloid, somatic; Leukemia, acute myelogenous, somatic; Acute myeloid leukemia, adult; AML adult; Acute non-lymphocytic leukemia; Acute granulocytic leukemia. Identifiers: Orphanet 519, MedGen C0023467, MeSH D015470, MONDO:0018874, OMIM 601626, HP:0004808. Disease mechanism: Constitutively activated FLT3.
GATA2 deficiency with susceptibility to MDS/AML. Identifiers: MedGen CN300066, MONDO:0042982.
Deafness-lymphedema-leukemia syndrome. Also called: Emberger syndrome; Lymphedema, primary, with myelodysplasia. Identifiers: Orphanet 3226, MedGen C3279664, MONDO:0013540, OMIM 614038.
Monocytopenia with susceptibility to infections. Also called: MONOCYTOPENIA AND MYCOBACTERIAL INFECTION SYNDROME; MONOCYTOPENIA WITH SUSCEPTIBILITY TO MYCOBACTERIAL, FUNGAL, AND PAPILLOMAVIRUS INFECTIONS AND MYELODYSPLASIA; COMBINED IMMUNODEFICIENCY WITH SUSCEPTIBILITY TO MYCOBACTERIAL, VIRAL, AND FUNGAL INFECTIONS; Dendritic cell, monocyte, B lymphocyte, and natural killer lymphocyte deficiency; IMMUNODEFICIENCY 21; GATA2 DEFICIENCY. Identifiers: Orphanet 228423, MedGen C3280030, MONDO:0013607, OMIM 614172.

Allele frequency attached by ClinVar (database versions not stated): ExAC 0.00001; gnomAD exomes 0.00001; TOPMed 0.00003; gnomAD 0.00004.

Submissions (8):

Labcorp Genetics (formerly Invitae), Labcorp
Classification: Uncertain significance for Monocytopenia with susceptibility to infections; Deafness-lymphedema-leukemia syndrome. Last evaluated: 2026-01-06. Review status: criteria provided, single submitter. Criteria: Invitae Variant Classification Sherloc (09022015). Collection method: clinical testing. Allele origin: germline.
Comment: This sequence change replaces serine, which is neutral and polar, with isoleucine, which is neutral and non-polar, at codon 464 of the GATA2 protein (p.Ser464Ile). This variant is present in population databases (rs770949428, gnomAD 0.005%). This variant has not been reported in the literature in individuals affected with GATA2-related conditions. ClinVar contains an entry for this variant (Variation ID: 404069). Invitae Evidence Modeling of protein sequence and biophysical properties (such as structural, functional, and spatial information, amino acid conservation, physicochemical variation, residue mobility, and thermodynamic stability) has been performed for this missense variant. However, the output from this modeling did not meet the statistical confidence thresholds required to predict the impact of this variant on GATA2 protein function. In summary, the available evidence is currently insufficient to determine the role of this variant in disease. Therefore, it has been classified as a Variant of Uncertain Significance.

Center for Genomic Medicine, Rigshospitalet, Copenhagen University Hospital
Classification: Uncertain significance. Last evaluated: 2025-03-04. Review status: criteria provided, single submitter. Criteria: ACMG Guidelines, 2015. Collection method: clinical testing. Allele origin: germline.

Ambry Genetics
Classification: Uncertain significance for Inborn genetic diseases. Last evaluated: 2024-12-24. Review status: criteria provided, single submitter. Criteria: Ambry Variant Classification Scheme 2023. Collection method: clinical testing. Allele origin: germline.
Comment: The p.S464I variant (also known as c.1391G>T), located in coding exon 5 of the GATA2 gene, results from a G to T substitution at nucleotide position 1391. The serine at codon 464 is replaced by isoleucine, an amino acid with dissimilar properties. This variant was identified amongst 22,659 patients with hematological conditions, but germline origin not confirmed (Hogg G et al. Cancer Genet, 2023 Nov;278-279:38-49). This amino acid position is highly conserved in available vertebrate species. In addition, the in silico prediction for this alteration is inconclusive. Based on the available evidence, the clinical significance of this variant remains unclear.

Baylor Genetics
Classification: Uncertain significance for Acute myeloid leukemia. Last evaluated: 2024-02-17. Review status: criteria provided, single submitter. Criteria: ACMG Guidelines, 2015. Collection method: clinical testing. Allele origin: unknown.

GeneDx
Classification: Uncertain significance. Last evaluated: 2023-10-30. Review status: criteria provided, single submitter. Criteria: GeneDx Variant Classification Process June 2021. Collection method: clinical testing. Allele origin: germline.
Comment: In silico analysis supports that this missense variant has a deleterious effect on protein structure/function; Has not been previously published as pathogenic or benign to our knowledge

St. Jude Molecular Pathology, St. Jude Children's Research Hospital
Classification: Uncertain significance for GATA2 deficiency with susceptibility to MDS/AML. Last evaluated: 2023-03-10. Review status: criteria provided, single submitter. Criteria: St. Jude Assertion Criteria 2020. Collection method: clinical testing. Allele origin: germline.
Comment: The GATA2 c.1391G>T (p.Ser464Ile) missense change has a maximum subpopulation frequency of 0.014% in gnomAD v2.1.1. The in silico tool REVEL is inconclusive about a pathogenic or benign effect of this variant on protein function, and to our knowledge functional studies have not been performed. To our knowledge, this variant has not been reported in individuals presenting with GATA2-associated clinical phenotypes. In summary, the evidence currently available is insufficient to determine the clinical significance of this variant. It has therefore been classified as of uncertain significance.

Institute for Clinical Genetics, University Hospital TU Dresden, University Hospital TU Dresden
Classification: Uncertain significance. Last evaluated: 2021-11-03. Review status: criteria provided, single submitter. Criteria: ACMG Guidelines, 2015. Collection method: clinical testing. Allele origin: germline.

Genetic Services Laboratory, University of Chicago
Classification: Uncertain significance. Last evaluated: 2017-12-18. Review status: criteria provided, single submitter. Criteria: ACMG Guidelines, 2015. Collection method: clinical testing. Allele origin: germline. Affected: no.

Literature cited by the submitters: PubMed 25359990 (cited by Center for Genomic Medicine, Rigshospitalet, Copenhagen University Hospital); PubMed 32960960 (cited by Center for Genomic Medicine, Rigshospitalet, Copenhagen University Hospital); PubMed 37586297 (cited by Ambry Genetics).